The following is an entry in ClinVar:

NM_000548.5(TSC2):c.3395C>A (p.Ser1132Ter)

Gene: TSC2 (TSC complex subunit 2; plus strand). Cytogenetic location: 16p13.3.
Variant type: single nucleotide variant.
Coding change: c.3395C>A on transcript NM_000548.5 (MANE Select); coding-DNA position 3395, C replaced by A.
Protein change: p.Ser1132Ter; replaces serine 1132 with a stop codon.
Molecular consequence: nonsense.
Genome position (GRCh38, 1-based): chr16:2,079,667, C>A. VCF-style: chr16-2079667-C-A. GRCh37 (hg19) VCF-style: chr16-2129668-C-A.
Other names: c.3263C>A, p.Ser1088Ter (NM_001077183.3, NM_001370404.1); c.3395C>A, p.Ser1132Ter (NM_001114382.3); c.3155C>A, p.Ser1052Ter (NM_001318827.2); c.3119C>A, p.Ser1040Ter (NM_001318829.2); c.2663C>A, p.Ser888Ter (NM_001318831.2); c.3296C>A, p.Ser1099Ter (NM_001318832.2); c.3266C>A, p.Ser1089Ter (NM_001363528.2, NM_001370405.1, NM_021055.3); short protein forms S1132*, S1052*, S888*, S1089*, S1099*, S1040*, S1088*.
Identifiers: ClinVar variation 49828 (VCV000049828.3), dbSNP rs137854074, ClinGen allele CA019071.

ClinVar aggregate classification (germline): Pathogenic. Review status: criteria provided, single submitter (1 of 4 stars). 2 submissions from 2 submitters: Pathogenic (1). 1 of the submissions does not count toward it. Last evaluated 2016-11-21.

Conditions:
Tuberous sclerosis syndrome (TSC). Also called: Tuberous Sclerosis Complex; Tuberous sclerosis. Identifiers: Orphanet 805, MedGen C0041341, MONDO:0001734.

Submissions (2):

GeneDx
Classification: Pathogenic. Last evaluated: 2016-11-21. Review status: criteria provided, single submitter. Criteria: GeneDx Variant Classification (06012015). Collection method: clinical testing. Allele origin: germline. Affected: yes.
Comment: The S1132X nonsense variant in the TSC2 gene has been reported previously in association with tuberous sclerosis complex (TSC2 LOVD). The S1132X variant was not observed in approximately 6,400 individuals of European and African American ancestry in the NHLBI Exome Sequencing Project, indicating it is not a common benign variant in these populations. This pathogenic variant is predicted to cause loss of normal protein function either through protein truncation or nonsense-mediated mRNA decay. Therefore, the presence of S1132X is consistent with a diagnosis of tuberous sclerosis complex

Tuberous sclerosis database (TSC2)
No classification provided. Condition: TSC. Review status: no classification provided. Criteria: Tuberous Sclerosis Database Assertion Criteria 2015. Collection method: curation. Allele origin: germline. Affected: yes. Not counted in ClinVar's aggregate classification.